The following is an entry in ClinVar:

NM_000393.5(COL5A2):c.3583C>T (p.Pro1195Ser)

Gene: COL5A2 (collagen type V alpha 2 chain; minus strand). Cytogenetic location: 2q32.2.
Variant type: single nucleotide variant.
Coding change: c.3583C>T on transcript NM_000393.5 (MANE Select); coding-DNA position 3583, C replaced by T.
Protein change: p.Pro1195Ser; replaces proline 1195 with serine.
Molecular consequence: missense variant.
Genome position (GRCh38, 1-based): chr2:189,041,636, G>A on the plus strand (C>T on the coding strand, the complement: COL5A2 is on the minus strand). VCF-style: chr2-189041636-G-A. GRCh37 (hg19) VCF-style: chr2-189906362-G-A.
Other names: short protein forms P1195S.
Identifiers: ClinVar variation 3495572 (VCV003495572.2).

ClinVar aggregate classification (germline): Uncertain significance. Review status: criteria provided, multiple submitters, no conflicts (2 of 4 stars). 2 submissions from 2 submitters: Uncertain significance (2). Last evaluated 2025-04-13.

Conditions:
Familial thoracic aortic aneurysm and aortic dissection (TAAD). Also called: Thoracic aortic aneurysms and dissections. Identifiers: Orphanet 91387, MedGen C4707243, MONDO:0019625.
Ehlers-Danlos syndrome, classic type, 1 (EDSCL1). Also called: EHLERS-DANLOS SYNDROME, GRAVIS TYPE; EHLERS-DANLOS SYNDROME, SEVERE CLASSIC TYPE; Ehlers-Danlos syndrome, type 1; Ehlers-Danlos Syndrome, Classic Type, COL5A1-Related; EDS I. Identifiers: MedGen C0268335, MONDO:0019567, OMIM 130000.

gnomAD v4.1: 3 of 1,614,068 alleles (0.00019%); highest among the groups gnomAD compares: Non-Finnish European, 0.00025%; no homozygotes.

Submissions (2):

Labcorp Genetics (formerly Invitae), Labcorp
Classification: Uncertain significance for Ehlers-Danlos syndrome, classic type, 1. Last evaluated: 2025-04-13. Review status: criteria provided, single submitter. Criteria: Invitae Variant Classification Sherloc (09022015). Collection method: clinical testing. Allele origin: germline.
Comment: This sequence change replaces proline, which is neutral and non-polar, with serine, which is neutral and polar, at codon 1195 of the COL5A2 protein (p.Pro1195Ser). This variant is present in population databases (no rsID available, gnomAD 0.0009%). This variant has not been reported in the literature in individuals affected with COL5A2-related conditions. ClinVar contains an entry for this variant (Variation ID: 3495572). Invitae Evidence Modeling of protein sequence and biophysical properties (such as structural, functional, and spatial information, amino acid conservation, physicochemical variation, residue mobility, and thermodynamic stability) indicates that this missense variant is not expected to disrupt COL5A2 protein function with a negative predictive value of 80%. In summary, the available evidence is currently insufficient to determine the role of this variant in disease. Therefore, it has been classified as a Variant of Uncertain Significance.

Ambry Genetics
Classification: Uncertain significance for Familial thoracic aortic aneurysm and aortic dissection. Last evaluated: 2024-07-31. Review status: criteria provided, single submitter. Criteria: Ambry Variant Classification Scheme 2023. Collection method: clinical testing. Allele origin: germline.
Comment: The p.P1195S variant (also known as c.3583C>T), located in coding exon 50 of the COL5A2 gene, results from a C to T substitution at nucleotide position 3583. The proline at codon 1195 is replaced by serine, an amino acid with similar properties. This amino acid position is highly conserved in available vertebrate species. In addition, the in silico prediction for this alteration is inconclusive. Based on the available evidence, the clinical significance of this variant remains unclear.